The following is an entry in ClinVar:

ClinVar aggregate classification (germline): Uncertain significance (1 of 4 stars; one submission).

Conditions:
Cystic fibrosis (CF). Also called: MUCOVISCIDOSIS. Identifiers: Orphanet 586, MedGen C0010674, MONDO:0009061, OMIM 219700. Disease mechanism: loss of function.

Submission:

Labcorp Genetics (formerly Invitae), Labcorp
Classification: Uncertain significance for Cystic fibrosis. Last evaluated: 2018-04-17. Review status: criteria provided, single submitter. Criteria: Invitae Variant Classification Sherloc (09022015). Collection method: clinical testing. Allele origin: germline.
Comment: In summary, the available evidence is currently insufficient to determine the role of this variant in disease. Therefore, it has been classified as a Variant of Uncertain Significance. Algorithms developed to predict the effect of missense changes on protein structure and function (SIFT, PolyPhen-2, Align-GVGD) all suggest that this variant is likely to be disruptive, but these predictions have not been confirmed by published functional studies and their clinical significance is uncertain. This variant has not been reported in the literature in individuals with CFTR-related disease. This variant is not present in population databases (ExAC no frequency). This sequence change replaces tyrosine with asparagine at codon 849 of the CFTR protein (p.Tyr849Asn). The tyrosine residue is highly conserved and there is a large physicochemical difference between tyrosine and asparagine.

NM_000492.4(CFTR):c.2545T>A (p.Tyr849Asn)

Gene: CFTR (CF transmembrane conductance regulator; plus strand). Cytogenetic location: 7q31.2.
Variant type: single nucleotide variant.
Coding change: c.2545T>A on transcript NM_000492.4 (MANE Select); coding-DNA position 2545, T replaced by A.
Protein change: p.Tyr849Asn; replaces tyrosine 849 with asparagine.
Molecular consequence: missense variant.
Genome position (GRCh38, 1-based): chr7:117,594,984, T>A. VCF-style: chr7-117594984-T-A. GRCh37 (hg19) VCF-style: chr7-117235038-T-A.
Other names: short protein forms Y849N.
Identifiers: ClinVar variation 578438 (VCV000578438.8), dbSNP rs757165481, ClinGen allele CA368983929.